The following is an entry in ClinVar:

ClinVar aggregate classification (germline): Pathogenic (1 of 4 stars; one submission).

Submission:

Labcorp Genetics (formerly Invitae), Labcorp
Classification: Pathogenic. Last evaluated: 2022-04-09. Review status: criteria provided, single submitter. Criteria: Invitae Variant Classification Sherloc (09022015). Collection method: clinical testing. Allele origin: germline.
Comment: This variant disrupts a region of the PAX3 protein in which other variant(s) (p.Gln405Argfs*29) have been determined to be pathogenic (PMID: 9654197; Invitae). This suggests that this is a clinically significant region of the protein, and that variants that disrupt it are likely to be disease-causing. This variant has not been reported in the literature in individuals affected with PAX3-related conditions. This variant is not present in population databases (gnomAD no frequency). This sequence change creates a premature translational stop signal (p.Gln405*) in the PAX3 gene. While this is not anticipated to result in nonsense mediated decay, it is expected to disrupt the last 75 amino acid(s) of the PAX3 protein. For these reasons, this variant has been classified as Pathogenic.

Literature cited by the submitters: PubMed 9654197.

NM_181458.4(PAX3):c.1213C>T (p.Gln405Ter)

Gene: PAX3 (paired box 3; minus strand). Cytogenetic location: 2q36.1.
Variant type: single nucleotide variant.
Coding change: c.1213C>T on transcript NM_181458.4 (MANE Select); coding-DNA position 1213, C replaced by T.
Protein change: p.Gln405Ter; replaces glutamine 405 with a stop codon.
Molecular consequence: nonsense. On other transcripts: intron variant (2).
Genome position (GRCh38, 1-based): chr2:222,202,151, G>A on the plus strand (C>T on the coding strand, the complement: PAX3 is on the minus strand). VCF-style: chr2-222202151-G-A. GRCh37 (hg19) VCF-style: chr2-223066870-G-A.
Other names: c.1210C>T, p.Gln404Ter (NM_001127366.3); c.1213C>T, p.Gln405Ter (NM_181457.4, NM_181459.4); c.1174-709C>T (NM_181460.4, NM_181461.4); short protein forms Q404*, Q405*.
Identifiers: ClinVar variation 2123511 (VCV002123511.4), dbSNP rs2469197157, ClinGen allele CA351115852.